The following is an entry in ClinVar:

NM_020461.4(TUBGCP6):c.2155-13_2155-12del

Gene: TUBGCP6 (tubulin gamma complex component 6; minus strand). Cytogenetic location: 22q13.33.
Variant type: Deletion.
Coding change: c.2155-13_2155-12del on transcript NM_020461.4 (MANE Select); 13 bases into the intron before coding-DNA position 2155 through 12 bases into the intron before coding-DNA position 2155, 2 bases deleted (AT; older notation c.2155-13_2155-12delAT).
Molecular consequence: intron variant.
Genome position (GRCh38, 1-based): chr22:50,224,268-50,224,269, AT deleted on the plus strand (AT on the coding strand, the reverse complement: TUBGCP6 is on the minus strand); deleting any 2 consecutive bases within chr22:50,224,268-50,224,270 gives the same sequence; the c. name uses the placement nearest the transcript's 3' end. VCF-style (leftmost placement, unchanged base first): chr22-50224267-CAT-C. GRCh37 (hg19) VCF-style: chr22-50662696-CAT-C.
Other names: c.2155-13_2155-12delAT (NM_020461.4).
Identifiers: ClinVar variation 3001076 (VCV003001076.4), dbSNP rs767506098, ClinGen allele CA10308329.

ClinVar aggregate classification (germline): Likely benign. Review status: criteria provided, multiple submitters, no conflicts (2 of 4 stars). 2 submissions from 2 submitters: Likely benign (2). Last evaluated 2024-11-13.

Submissions (2):

Women's Health and Genetics/Laboratory Corporation of America, LabCorp
Classification: Likely benign. Last evaluated: 2024-11-13. Review status: criteria provided, single submitter. Criteria: LabCorp Variant Classification Summary - May 2015. Collection method: clinical testing. Allele origin: germline.
Comment: Variant summary: TUBGCP6 c.2155-13_2155-12delAT alters a non-conserved nucleotide located at a position not widely known to affect splicing. Consensus agreement among computation tools predict no significant impact on normal splicing. However, these predictions have yet to be confirmed by functional studies. The variant allele was found at a frequency of 1.2e-05 in 251440 control chromosomes. The available data on variant occurrences in the general population are insufficient to allow any conclusion about variant significance. To our knowledge, no occurrence of c.2155-13_2155-12delAT in individuals affected with Microcephaly And Chorioretinopathy 1 and no experimental evidence demonstrating its impact on protein function have been reported. No submitters have cited clinical-significance assessments for this variant to ClinVar. Based on the evidence outlined above, the variant was classified as likely benign.

Labcorp Genetics (formerly Invitae), Labcorp
Classification: Likely benign. Last evaluated: 2023-03-21. Review status: criteria provided, single submitter. Criteria: Invitae Variant Classification Sherloc (09022015). Collection method: clinical testing. Allele origin: germline.